The following is an entry in ClinVar:

ClinVar aggregate classification (germline): Uncertain significance (1 of 4 stars; one submission).

Conditions:
COL1A1-related disorder. Also called: COL1A1-related condition; COL1A1- related disease.

Submission:

3billion
Classification: Uncertain significance for COL1A1-related disorder. Last evaluated: 2025-11-06. Review status: criteria provided, single submitter. Criteria: ACMG Guidelines, 2015. Collection method: clinical testing. Allele origin: germline. Affected: yes.
Comment: The variant is not observed in the gnomAD v4.1.0 dataset. Predicted Consequence/Location: Intron variant In silico tools predict the variant to alter splicing and produce an abnormal transcript [SpliceAI: 0.41 (spliceogenicity >=0.2, non-spliceogenicity <0.1)]. Therefore, this variant is classified as VUS according to the recommendation of ACMG/AMP guideline.

NM_000088.4(COL1A1):c.1201-26_1201-25delinsGG

Gene: COL1A1 (collagen type I alpha 1 chain; minus strand). Cytogenetic location: 17q21.33.
Variant type: Indel.
Coding change: c.1201-26_1201-25delinsGG on transcript NM_000088.4 (MANE Select); 26 bases into the intron before coding-DNA position 1201 through 25 bases into the intron before coding-DNA position 1201, AC replaced by GG.
Molecular consequence: intron variant.
Genome position (GRCh38, 1-based): chr17:50,195,355-50,195,356, GT replaced by CC on the plus strand (AC replaced by GG on the coding strand, the reverse complement: COL1A1 is on the minus strand). VCF-style: chr17-50195355-GT-CC. GRCh37 (hg19) VCF-style: chr17-48272716-GT-CC.
Identifiers: ClinVar variation 4855206 (VCV004855206.1).
Genomic context (GRCh38, chr17:50,195,355, plus strand): 5'-AGGGAAGCCAGGAGCACCAGCAATACCAGGAGCACCCTGTGGGAGGCAGACAGCCAGGGC[GT>CC]GAGCCTAGGAGCAGAGGGAAAGGGGCAGGCAGGCTGCAGGCGGCAGGAGTGGGACTGAAG-3'